The following is an entry in ClinVar:

ClinVar aggregate classification (germline): Uncertain significance (1 of 4 stars; one submission).

Submission:

Ambry Genetics
Classification: Uncertain significance. Last evaluated: 2023-08-21. Review status: criteria provided, single submitter. Criteria: Ambry Variant Classification Scheme 2023. Collection method: clinical testing. Allele origin: germline.
Comment: The c.3122_3124delGTT variant (also known as p.C1041del) is located in coding exon 1 of the MLH3 gene. This variant results from an in-frame GTT deletion at nucleotide positions 3122 to 3124. This results in the in-frame deletion of a cysteine at codon 1041. This amino acid position is poorly conserved in available vertebrate species. In addition, this alteration is predicted to be neutral by in silico analysis (Choi Y et al. PLoS ONE. 2012; 7(10):e46688). The evidence for this gene-disease relationship is limited; therefore, the clinical significance of this alteration is unclear.

NM_001040108.2(MLH3):c.3119GTT[1] (p.Cys1041del)

Gene: MLH3 (mutL homolog 3; minus strand). Cytogenetic location: 14q24.3.
Variant type: Microsatellite.
Coding change: c.3119GTT[1] on transcript NM_001040108.2 (MANE Select); one copy of the 3-base unit GTT starting at c.3119; the reference has two copies in a row; one copy, 3 bases deleted.
Protein change: p.Cys1041del; deletes cysteine 1041.
Molecular consequence: inframe deletion. On other transcripts: inframe indel (2).
Genome position (GRCh38, 1-based): chr14:75,046,532-75,046,534, AAC deleted on the plus strand (GTT on the coding strand, the reverse complement: MLH3 is on the minus strand); deleting any 3 consecutive bases within chr14:75,046,532-75,046,538 gives the same sequence; the position shown is the placement nearest the transcript's 3' end. VCF-style (leftmost placement, unchanged base first): chr14-75046531-GAAC-G. GRCh37 (hg19) VCF-style: chr14-75513234-GAAC-G.
Other names: c.3118_3120TGT[1], p.Cys1041del (NM_001040108.1); c.3119GTT[1], p.Cys1041del (NM_014381.3); c.3122_3124delGTT (NM_001040108.1); short protein forms C1041del.
Identifiers: ClinVar variation 2625651 (VCV002625651.2), dbSNP rs1289503852, ClinGen allele CA615194172.
Genomic context (GRCh38, chr14:75,046,531, plus strand): 5'-GTCATTTTGTTGACATAAACCATTCTTCCCAGGGCTACATCGAAATGCCGCTGCCAATCT[GAAC>G]AACACGTGTTTGACTCTTCAGTTTCAGAACAAGCTCTTGCTTTAGATTCCTCACTCTGAA-3'